The following is an entry in ClinVar:

NM_007357.3(COG2):c.1565A>G (p.Lys522Arg)

Gene: COG2 (component of oligomeric golgi complex 2; plus strand). Cytogenetic location: 1q42.2.
Variant type: single nucleotide variant.
Coding change: c.1565A>G on transcript NM_007357.3 (MANE Select); coding-DNA position 1565, A replaced by G.
Protein change: p.Lys522Arg; replaces lysine 522 with arginine.
Molecular consequence: missense variant.
Genome position (GRCh38, 1-based): chr1:230,687,119, A>G. VCF-style: chr1-230687119-A-G. GRCh37 (hg19) VCF-style: chr1-230822865-A-G.
Other names: c.1565A>G, p.Lys522Arg (NM_001145036.2); c.1565A>G (NM_007357.2); short protein forms K522R.
Identifiers: ClinVar variation 1399803 (VCV001399803.8), dbSNP rs570696606, ClinGen allele CA1447796.

ClinVar aggregate classification (germline): Conflicting classifications of pathogenicity. Review status: criteria provided, conflicting classifications (1 of 4 stars). 2 submissions from 2 submitters: Uncertain significance (1); Likely benign (1). Last evaluated 2025-08-21.

Conditions:
Congenital disorder of glycosylation, type IIq. Also called: CDG IIq. Identifiers: Orphanet 435934, MedGen C4479353, MONDO:0054559, OMIM 617395.

Allele frequency attached by ClinVar (database versions not stated): gnomAD 0.00001 and 0.00005; gnomAD exomes 0.00002 and 0.00009; TOPMed 0.00003; ExAC 0.00008; 1000 Genomes Project 30x 0.00078; 1000 Genomes Project 0.00080.
gnomAD v4.1: 28 of 1,610,408 alleles (0.0017%); highest among the groups gnomAD compares: East Asian, 0.062%; no homozygotes.

Submissions (2):

Ambry Genetics
Classification: Likely benign. Last evaluated: 2025-08-21. Review status: criteria provided, single submitter. Criteria: Ambry Variant Classification Scheme 2023. Collection method: clinical testing. Allele origin: germline.

Labcorp Genetics (formerly Invitae), Labcorp
Classification: Uncertain significance for Congenital disorder of glycosylation, type IIq. Last evaluated: 2020-11-23. Review status: criteria provided, single submitter. Criteria: Invitae Variant Classification Sherloc (09022015). Collection method: clinical testing. Allele origin: germline.
Comment: This sequence change replaces lysine with arginine at codon 522 of the COG2 protein (p.Lys522Arg). The lysine residue is moderately conserved and there is a small physicochemical difference between lysine and arginine. This variant is present in population databases (rs570696606, ExAC 0.1%). This variant has not been reported in the literature in individuals with COG2-related conditions. Algorithms developed to predict the effect of missense changes on protein structure and function output the following: SIFT: "Tolerated"; PolyPhen-2: "Benign"; Align-GVGD: "Class C0". The arginine amino acid residue is found in multiple mammalian species, suggesting that this missense change does not adversely affect protein function. These predictions have not been confirmed by published functional studies and their clinical significance is uncertain. In summary, the available evidence is currently insufficient to determine the role of this variant in disease. Therefore, it has been classified as a Variant of Uncertain Significance.